The following is an entry in ClinVar:

ClinVar aggregate classification (germline): Uncertain significance (1 of 4 stars; one submission).

Submission:

Labcorp Genetics (formerly Invitae), Labcorp
Classification: Uncertain significance. Last evaluated: 2022-05-14. Review status: criteria provided, single submitter. Criteria: Invitae Variant Classification Sherloc (09022015). Collection method: clinical testing. Allele origin: germline.
Comment: This sequence change replaces aspartic acid, which is acidic and polar, with asparagine, which is neutral and polar, at codon 740 of the SORL1 protein (p.Asp740Asn). This variant is not present in population databases (gnomAD no frequency). This variant has not been reported in the literature in individuals affected with SORL1-related conditions. Algorithms developed to predict the effect of missense changes on protein structure and function are either unavailable or do not agree on the potential impact of this missense change (SIFT: "Tolerated"; PolyPhen-2: "Probably Damaging"; Align-GVGD: "Class C0"). In summary, the available evidence is currently insufficient to determine the role of this variant in disease. Therefore, it has been classified as a Variant of Uncertain Significance.

NM_003105.6(SORL1):c.2218G>A (p.Asp740Asn)

Gene: SORL1 (sortilin related receptor 1; plus strand). Cytogenetic location: 11q24.1.
Variant type: single nucleotide variant.
Coding change: c.2218G>A on transcript NM_003105.6 (MANE Select); coding-DNA position 2218, G replaced by A.
Protein change: p.Asp740Asn; replaces aspartic acid 740 with asparagine.
Molecular consequence: missense variant.
Genome position (GRCh38, 1-based): chr11:121,550,622, G>A. VCF-style: chr11-121550622-G-A. GRCh37 (hg19) VCF-style: chr11-121421331-G-A.
Other names: short protein forms D740N.
Identifiers: ClinVar variation 1994301 (VCV001994301.4), dbSNP rs2496881010, ClinGen allele CA383032771.